The following is an entry in ClinVar:

NM_003119.4(SPG7):c.1969A>G (p.Ile657Val)

Gene: SPG7 (SPG7 matrix AAA peptidase subunit, paraplegin; plus strand). Cytogenetic location: 16q24.3.
Variant type: single nucleotide variant.
Coding change: c.1969A>G on transcript NM_003119.4 (MANE Select); coding-DNA position 1969, A replaced by G.
Protein change: p.Ile657Val; replaces isoleucine 657 with valine.
Molecular consequence: missense variant.
Genome position (GRCh38, 1-based): chr16:89,553,826, A>G. VCF-style: chr16-89553826-A-G. GRCh37 (hg19) VCF-style: chr16-89620234-A-G.
Other names: c.1969A>G, p.Ile657Val (NM_001363850.1); c.1969A>G (NM_003119.2); short protein forms I657V.
Identifiers: ClinVar variation 1992189 (VCV001992189.5), dbSNP rs201005087, ClinGen allele CA8244502.

ClinVar aggregate classification (germline): Uncertain significance. Review status: criteria provided, multiple submitters, no conflicts (2 of 4 stars). 2 submissions from 2 submitters: Uncertain significance (2). Last evaluated 2024-10-16.

Conditions:
Hereditary spastic paraplegia 7 (SPG7). Also called: SPG7-related neurologic disorder; Autosomal recessive spastic paraplegia type 7; Spastic paraplegia 7; Hereditary spastic paraplegia Paraplegin type; SPASTIC PARAPLEGIA 7, AUTOSOMAL RECESSIVE, WITH OR WITHOUT CEREBELLAR ATAXIA. Identifiers: Orphanet 99013, MedGen C1846564, MONDO:0011803, OMIM 607259.

Allele frequency attached by ClinVar (database versions not stated): TOPMed 0.00005; ESP Exome Variant Server 0.00008; gnomAD 0.00009; ExAC 0.00012; 1000 Genomes Project 30x 0.00016; 1000 Genomes Project 0.00020.
gnomAD v4.1: 123 of 1,613,550 alleles (0.0076%); highest among the groups gnomAD compares: Non-Finnish European, 0.0083%; no homozygotes.

Submissions (2):

GeneDx
Classification: Uncertain significance. Last evaluated: 2024-10-16. Review status: criteria provided, single submitter. Criteria: GeneDx Variant Classification Process June 2021. Collection method: clinical testing. Allele origin: germline. Affected: yes.
Comment: Has not been previously published as pathogenic or benign to our knowledge; In silico analysis indicates that this missense variant does not alter protein structure/function; This variant is associated with the following publications: (PMID: 22571692)

Labcorp Genetics (formerly Invitae), Labcorp
Classification: Uncertain significance for Hereditary spastic paraplegia 7. Last evaluated: 2023-09-28. Review status: criteria provided, single submitter. Criteria: Invitae Variant Classification Sherloc (09022015). Collection method: clinical testing. Allele origin: germline.
Comment: This sequence change replaces isoleucine, which is neutral and non-polar, with valine, which is neutral and non-polar, at codon 657 of the SPG7 protein (p.Ile657Val). This variant is present in population databases (rs201005087, gnomAD 0.05%). This variant has not been reported in the literature in individuals affected with SPG7-related conditions. ClinVar contains an entry for this variant (Variation ID: 1992189). Advanced modeling of protein sequence and biophysical properties (such as structural, functional, and spatial information, amino acid conservation, physicochemical variation, residue mobility, and thermodynamic stability) performed at Invitae indicates that this missense variant is not expected to disrupt SPG7 protein function. In summary, the available evidence is currently insufficient to determine the role of this variant in disease. Therefore, it has been classified as a Variant of Uncertain Significance.